The following is an entry in ClinVar:

NM_001190880.3(HYI):c.540C>T (p.Asn180=)

Genes: HYI (hydroxypyruvate isomerase (putative); minus strand), SZT2 (SZT2 subunit of KICSTOR complex; plus strand). Cytogenetic location: 1p34.2.
Variant type: single nucleotide variant.
Coding change: c.540C>T on transcript NM_001190880.3 (MANE Select); coding-DNA position 540, C replaced by T.
Protein change: p.Asn180=; no amino-acid change (asparagine 180 retained).
Molecular consequence: synonymous variant. On other transcripts: 3 prime UTR variant (2).
Genome position (GRCh38, 1-based): chr1:43,451,813, G>A on the plus strand (C>T on the coding strand, the complement: HYI is on the minus strand). VCF-style: chr1-43451813-G-A. GRCh37 (hg19) VCF-style: chr1-43917484-G-A.
Other names: c.*1333G>A (NM_001365999.1, NM_015284.4); c.615C>T, p.Asn205= (NM_001243526.2, NM_001330526.2); c.540C>T, p.Asn180= (NM_031207.6).
Identifiers: ClinVar variation 3026074 (VCV003026074.22), dbSNP rs376730330, ClinGen allele CA811393.
Genomic context (GRCh38, chr1:43,451,813, plus strand): 5'-GGCCCCGCCCTCCTTCCGATCTGCGAAGTACCCCCTTCCACTTACCATTTGTAATTGGAG[G>A]TTGGGTCTTCCTACCTTCTGTAAGATGGCTGCCGCTGTAAGAGAAGCCAGGGAGGGGACC-3'
Protein context (NP_001177809.1, residues 170-190): AAILQKVGRP[Asn180=]LQLQMDIFHW

ClinVar aggregate classification (germline): Likely benign (1 of 4 stars; one submission).

Allele frequency attached by ClinVar (database versions not stated): gnomAD exomes 0.00001; gnomAD 0.00003; ExAC 0.00005; TOPMed 0.00005; ESP Exome Variant Server 0.00008; 1000 Genomes Project 30x 0.00016; 1000 Genomes Project 0.00020.
gnomAD v4.1: 30 of 1,614,104 alleles (0.0019%); highest among the groups gnomAD compares: East Asian, 0.025%; no homozygotes.

Submission:

CeGaT Center for Human Genetics Tuebingen
Classification: Likely benign. Last evaluated: 2024-02-01. Review status: criteria provided, single submitter. Criteria: CeGaT Center For Human Genetics Tuebingen Variant Classification Criteria Version 2. Collection method: clinical testing. Allele origin: germline. Affected: yes. Observed: 1 variant allele.
Comment: HYI: BP4, BP7